The following is an entry in ClinVar:

NM_006393.3(NEBL):c.2737G>A (p.Val913Ile)

Gene: NEBL (nebulette; minus strand). Cytogenetic location: 10p12.31.
Variant type: single nucleotide variant.
Coding change: c.2737G>A on transcript NM_006393.3 (MANE Select); coding-DNA position 2737, G replaced by A.
Protein change: p.Val913Ile; replaces valine 913 with isoleucine.
Molecular consequence: missense variant. On other transcripts: intron variant (9).
Genome position (GRCh38, 1-based): chr10:20,808,534, C>T on the plus strand (G>A on the coding strand, the complement: NEBL is on the minus strand). VCF-style: chr10-20808534-C-T. GRCh37 (hg19) VCF-style: chr10-21097463-C-T.
Other names: c.421+4235G>A (NM_001377326.1, NM_001377327.1, NM_001377328.1); c.529+4235G>A (NM_213569.2, NM_001173484.2); c.622+1272G>A (NM_001377322.1); c.472+4235G>A (NM_001377324.1); c.463+4235G>A (NM_001377325.1); c.481+4235G>A (NM_001377323.1); short protein forms V913I.
Identifiers: ClinVar variation 576459 (VCV000576459.9), dbSNP rs1564341986, ClinGen allele CA376092681.

ClinVar aggregate classification (germline): Uncertain significance (1 of 4 stars; one submission).

Conditions:
Primary dilated cardiomyopathy (DCM). Also called: Dilated Cardiomyopathy. Identifiers: Orphanet 217604, MedGen C0007193, MeSH D002311, MONDO:0005021, HP:0001644. Inheritance: Various modes of inheritance.

gnomAD v4.1: 2 of 1,613,896 alleles (0.00012%); highest among the groups gnomAD compares: Non-Finnish European, 0.000085%; no homozygotes.

Submission:

Labcorp Genetics (formerly Invitae), Labcorp
Classification: Uncertain significance for Primary dilated cardiomyopathy. Last evaluated: 2022-06-20. Review status: criteria provided, single submitter. Criteria: Invitae Variant Classification Sherloc (09022015). Collection method: clinical testing. Allele origin: germline.
Comment: Algorithms developed to predict the effect of missense changes on protein structure and function output the following: SIFT: "Tolerated"; PolyPhen-2: "Benign"; Align-GVGD: "Class C0". The isoleucine amino acid residue is found in multiple mammalian species, which suggests that this missense change does not adversely affect protein function. In summary, the available evidence is currently insufficient to determine the role of this variant in disease. Therefore, it has been classified as a Variant of Uncertain Significance. ClinVar contains an entry for this variant (Variation ID: 576459). This variant has not been reported in the literature in individuals affected with NEBL-related conditions. This variant is not present in population databases (gnomAD no frequency). This sequence change replaces valine, which is neutral and non-polar, with isoleucine, which is neutral and non-polar, at codon 913 of the NEBL protein (p.Val913Ile).